The following is an entry in ClinVar:

ClinVar aggregate classification (germline): Uncertain significance (1 of 4 stars; one submission).

Conditions:
Cardiovascular phenotype. Identifiers: MedGen CN230736.

Allele frequency attached by ClinVar (database versions not stated): TOPMed 0.00001; gnomAD 0.00002.
gnomAD v4.1: 17 of 1,611,228 alleles (0.0011%); highest among the groups gnomAD compares: Middle Eastern, 0.016%; 1 homozygote.

Submission:

Ambry Genetics
Classification: Uncertain significance for Cardiovascular phenotype. Last evaluated: 2021-03-02. Review status: criteria provided, single submitter. Criteria: Ambry Variant Classification Scheme 2023. Collection method: clinical testing. Allele origin: germline.
Comment: The p.R526H variant (also known as c.1577G>A), located in coding exon 8 of the JUP gene, results from a G to A substitution at nucleotide position 1577. The arginine at codon 526 is replaced by histidine, an amino acid with highly similar properties. This variant has been detected in a cohort referred for arrhythmogenic right ventricular cardiomyopathy genetic testing; however, details were limited (Walsh R et al. Genet Med, 2017 02;19:192-203). This amino acid position is highly conserved in available vertebrate species. In addition, the in silico prediction for this alteration is inconclusive. Since supporting evidence is limited at this time, the clinical significance of this alteration remains unclear.

Literature cited by the submitters: PubMed 27532257; PubMed 31402444.

NM_002230.4(JUP):c.1577G>A (p.Arg526His)

Gene: JUP (junction plakoglobin; minus strand). Cytogenetic location: 17q21.2.
Variant type: single nucleotide variant.
Coding change: c.1577G>A on transcript NM_002230.4 (MANE Select); coding-DNA position 1577, G replaced by A.
Protein change: p.Arg526His; replaces arginine 526 with histidine.
Molecular consequence: missense variant.
Genome position (GRCh38, 1-based): chr17:41,758,791, C>T on the plus strand (G>A on the coding strand, the complement: JUP is on the minus strand). VCF-style: chr17-41758791-C-T. GRCh37 (hg19) VCF-style: chr17-39915043-C-T.
Other names: c.1577G>A, p.Arg526His (NM_001352773.2, NM_001352774.2, NM_001352775.2 and 3 more transcripts); short protein forms R526H.
Identifiers: ClinVar variation 1775614 (VCV001775614.2), dbSNP rs781945506, ClinGen allele CA8565185.